The following is an entry in ClinVar:

NM_001064.4(TKT):c.1771C>T (p.Arg591Trp)

Gene: TKT (transketolase; minus strand). Cytogenetic location: 3p21.1.
Variant type: single nucleotide variant.
Coding change: c.1771C>T on transcript NM_001064.4 (MANE Select); coding-DNA position 1771, C replaced by T.
Protein change: p.Arg591Trp; replaces arginine 591 with tryptophan.
Molecular consequence: missense variant. On other transcripts: non-coding transcript variant (1).
Genome position (GRCh38, 1-based): chr3:53,225,857, G>A on the plus strand (C>T on the coding strand, the complement: TKT is on the minus strand). VCF-style: chr3-53225857-G-A. GRCh37 (hg19) VCF-style: chr3-53259873-G-A.
Other names: c.1771C>T, p.Arg591Trp (NM_001135055.3); c.1795C>T, p.Arg599Trp (NM_001258028.2); short protein forms R591W, R599W.
Identifiers: ClinVar variation 3177701 (VCV003177701.2), dbSNP rs370465126, ClinGen allele CA74835791.
Genomic context (GRCh38, chr3:53,225,857, plus strand): 5'-CATCCCTGTCGATACCAAACATCTTCAGCAGCTCAGCCGGCTTCCCACTTCTTGGTACCC[G>A]GTTAACTGCCAGGTGGGTGACAGTGATGCCAGGCTCGCCCACTACTGCACTGGACACAGC-3'
Protein context (NP_001055.1, residues 581-601): GITVTHLAVN[Arg591Trp]VPRSGKPAEL

ClinVar aggregate classification (germline): Uncertain significance. Review status: criteria provided, multiple submitters, no conflicts (2 of 4 stars). 2 submissions from 2 submitters: Uncertain significance (2). Last evaluated 2025-08-16.

Allele frequency attached by ClinVar (database versions not stated): gnomAD 0.00001; gnomAD exomes 0.00001; ESP Exome Variant Server 0.00015.
gnomAD v4.1: 14 of 1,613,974 alleles (0.00087%); highest among the groups gnomAD compares: East Asian, 0.0022%; no homozygotes.

Submissions (2):

GeneDx
Classification: Uncertain significance. Last evaluated: 2025-08-16. Review status: criteria provided, single submitter. Criteria: GeneDx Variant Classification Process June 2021. Collection method: clinical testing. Allele origin: germline. Affected: yes.
Comment: In silico analysis supports that this missense variant has a deleterious effect on protein structure/function; Has not been previously published as pathogenic or benign to our knowledge

Ambry Genetics
Classification: Uncertain significance. Last evaluated: 2023-11-10. Review status: criteria provided, single submitter. Criteria: Ambry Variant Classification Scheme 2023. Collection method: clinical testing. Allele origin: germline.